The following is an entry in ClinVar:

NM_001379500.1(COL18A1):c.3862G>A (p.Glu1288Lys)

Genes: COL18A1 (collagen type XVIII alpha 1 chain; plus strand), SLC19A1 (solute carrier family 19 member 1; minus strand). Cytogenetic location: 21q22.3.
Variant type: single nucleotide variant.
Coding change: c.3862G>A on transcript NM_001379500.1 (MANE Select); coding-DNA position 3862, G replaced by A.
Protein change: p.Glu1288Lys; replaces glutamic acid 1288 with lysine.
Molecular consequence: missense variant.
Genome position (GRCh38, 1-based): chr21:45,512,240, G>A. VCF-style: chr21-45512240-G-A. GRCh37 (hg19) VCF-style: chr21-46932154-G-A.
Other names: c.4393G>A, p.Glu1465Lys (NM_030582.4); c.5098G>A, p.Glu1700Lys (NM_130444.3); short protein forms E1700K, E1465K, E1288K.
Identifiers: ClinVar variation 1429670 (VCV001429670.5), dbSNP rs370953127, ClinGen allele CA10068118.

ClinVar aggregate classification (germline): Uncertain significance (1 of 4 stars; one submission).

Allele frequency attached by ClinVar (database versions not stated): ESP Exome Variant Server 0.00008; ExAC 0.00010.
gnomAD v4.1: 45 of 1,612,448 alleles (0.0028%); highest among the groups gnomAD compares: South Asian, 0.0077%; no homozygotes.

Submission:

Labcorp Genetics (formerly Invitae), Labcorp
Classification: Uncertain significance. Last evaluated: 2024-11-26. Review status: criteria provided, single submitter. Criteria: Invitae Variant Classification Sherloc (09022015). Collection method: clinical testing. Allele origin: germline.
Comment: This sequence change replaces glutamic acid, which is acidic and polar, with lysine, which is basic and polar, at codon 1285 of the COL18A1 protein (p.Glu1285Lys). This variant is present in population databases (rs370953127, gnomAD 0.03%). This variant has not been reported in the literature in individuals affected with COL18A1-related conditions. ClinVar contains an entry for this variant (Variation ID: 1429670). Experimental studies and prediction algorithms are not available or were not evaluated, and the functional significance of this variant is currently unknown. In summary, the available evidence is currently insufficient to determine the role of this variant in disease. Therefore, it has been classified as a Variant of Uncertain Significance.